The following is an entry in ClinVar:

ClinVar aggregate classification (germline): Uncertain significance (1 of 4 stars; one submission).

gnomAD v4.1: 10 of 1,613,756 alleles (0.00062%); highest among the groups gnomAD compares: Non-Finnish European, 0.00076%; no homozygotes.

Submission:

Labcorp Genetics (formerly Invitae), Labcorp
Classification: Uncertain significance. Last evaluated: 2024-11-18. Review status: criteria provided, single submitter. Criteria: Invitae Variant Classification Sherloc (09022015). Collection method: clinical testing. Allele origin: germline.
Comment: This sequence change replaces glutamic acid, which is acidic and polar, with lysine, which is basic and polar, at codon 1872 of the CACNA1G protein (p.Glu1872Lys). This variant is present in population databases (rs756194183, gnomAD 0.004%). This variant has not been reported in the literature in individuals affected with CACNA1G-related conditions. Invitae Evidence Modeling of protein sequence and biophysical properties (such as structural, functional, and spatial information, amino acid conservation, physicochemical variation, residue mobility, and thermodynamic stability) has been performed for this missense variant. However, the output from this modeling did not meet the statistical confidence thresholds required to predict the impact of this variant on CACNA1G protein function. In summary, the available evidence is currently insufficient to determine the role of this variant in disease. Therefore, it has been classified as a Variant of Uncertain Significance.

NM_018896.5(CACNA1G):c.5614G>A (p.Glu1872Lys)

Gene: CACNA1G (calcium voltage-gated channel subunit alpha1 G; plus strand). Cytogenetic location: 17q21.33.
Variant type: single nucleotide variant.
Coding change: c.5614G>A on transcript NM_018896.5 (MANE Select); coding-DNA position 5614, G replaced by A.
Protein change: p.Glu1872Lys; replaces glutamic acid 1872 with lysine.
Molecular consequence: missense variant. On other transcripts: non-coding transcript variant (5).
Genome position (GRCh38, 1-based): chr17:50,618,841, G>A. VCF-style: chr17-50618841-G-A. GRCh37 (hg19) VCF-style: chr17-48696202-G-A.
Other names: c.5560G>A, p.Glu1854Lys (NM_001256324.2, NM_198386.3); c.5635G>A, p.Glu1879Lys (NM_001256325.2); c.5479G>A, p.Glu1827Lys (NM_001256326.2, NM_001256330.2); c.5593G>A, p.Glu1865Lys (NM_001256327.2); c.5539G>A, p.Glu1847Lys (NM_001256328.2); c.5512G>A, p.Glu1838Lys (NM_001256329.2, NM_198396.3, NM_198376.3 and 2 more transcripts); c.5491G>A, p.Glu1831Lys (NM_198388.3); c.5458G>A, p.Glu1820Lys (NM_001256331.2); and 7 more; short protein forms E1815K, E1820K, E1827K, E1831K, E1834K, E1836K, E1838K, E1845K.
Identifiers: ClinVar variation 3604310 (VCV003604310.2).